The following is an entry in ClinVar:

NM_001379200.1(TBX1):c.1508C>G (p.Pro503Arg)

Gene: TBX1 (T-box transcription factor 1; plus strand). Cytogenetic location: 22q11.21.
Variant type: single nucleotide variant.
Coding change: c.1508C>G on transcript NM_001379200.1 (MANE Select); coding-DNA position 1508, C replaced by G.
Protein change: p.Pro503Arg; replaces proline 503 with arginine.
Molecular consequence: missense variant. On other transcripts: intron variant (2).
Genome position (GRCh38, 1-based): chr22:19,766,860, C>G. VCF-style: chr22-19766860-C-G. GRCh37 (hg19) VCF-style: chr22-19754383-C-G.
Other names: c.1481C>G, p.Pro494Arg (NM_080647.1); c.1009+858C>G (NM_005992.1, NM_080646.2); short protein forms P503R, P494R.
Identifiers: ClinVar variation 951216 (VCV000951216.13), dbSNP rs756769832, ClinGen allele CA10102788.
Genomic context (GRCh38, chr22:19,766,860, plus strand): 5'-CGGCCGCCAACATGTACTCGTCGGCCGGAGCCGCGCCGCCCGGCTCCTACGACTATTGCC[C>G]CAGATAACACGGGCCCTGTCGCGCTCCCGCCCCGGTCCTGCACAGCCCCGAAGTTCGCCG-3'
Protein context (NP_001366129.1, residues 493-504): AAPPGSYDYC[Pro503Arg]R

ClinVar aggregate classification (germline): Uncertain significance. Review status: criteria provided, multiple submitters, no conflicts (2 of 4 stars). 3 submissions from 3 submitters: Uncertain significance (3). Last evaluated 2025-04-30.

Conditions:
TBX1-related disorder. Also called: TBX1-Related Disorders; TBX1-related condition.
Cardiovascular phenotype. Identifiers: MedGen CN230736.
DiGeorge syndrome. Also called: THIRD AND FOURTH PHARYNGEAL POUCH SYNDROME; Catch22. Identifiers: Orphanet 567, MedGen C0012236, MONDO:0008564, OMIM 188400.

Allele frequency attached by ClinVar (database versions not stated): ExAC 0.00002; gnomAD exomes 0.00002; TOPMed 0.00004.

Submissions (3):

Ambry Genetics
Classification: Uncertain significance for Cardiovascular phenotype. Last evaluated: 2025-04-30. Review status: criteria provided, single submitter. Criteria: Ambry Variant Classification Scheme 2023. Collection method: clinical testing. Allele origin: germline.
Comment: The p.P494R variant (also known as c.1481C>G), located in coding exon 8 of the TBX1 gene, results from a C to G substitution at nucleotide position 1481. The proline at codon 494 is replaced by arginine, an amino acid with dissimilar properties. This amino acid position is conserved. In addition, the in silico prediction for this alteration is inconclusive. Since supporting evidence is limited at this time, the clinical significance of this alteration remains unclear.

Labcorp Genetics (formerly Invitae), Labcorp
Classification: Uncertain significance for DiGeorge syndrome. Last evaluated: 2024-08-13. Review status: criteria provided, single submitter. Criteria: Invitae Variant Classification Sherloc (09022015). Collection method: clinical testing. Allele origin: germline.
Comment: This sequence change replaces proline, which is neutral and non-polar, with arginine, which is basic and polar, at codon 494 of the TBX1 protein (p.Pro494Arg). This variant is present in population databases (rs756769832, gnomAD 0.01%). This variant has not been reported in the literature in individuals affected with TBX1-related conditions. ClinVar contains an entry for this variant (Variation ID: 951216). An algorithm developed to predict the effect of missense changes on protein structure and function (PolyPhen-2) suggests that this variant is likely to be disruptive. In summary, the available evidence is currently insufficient to determine the role of this variant in disease. Therefore, it has been classified as a Variant of Uncertain Significance.

PreventionGenetics, part of Exact Sciences
Classification: Uncertain significance for TBX1-related condition. Last evaluated: 2023-03-29. Review status: criteria provided, single submitter. Criteria: ACMG Guidelines, 2015. Collection method: clinical testing. Allele origin: germline.
Comment: The TBX1 c.1481C>G variant is predicted to result in the amino acid substitution p.Pro494Arg. To our knowledge, this variant has not been reported in the literature. This variant is reported in 0.012% of alleles in individuals of Latino descent in gnomAD. At this time, the clinical significance of this variant is uncertain due to the absence of conclusive functional and genetic evidence.